The following is an entry in ClinVar:

NM_021096.4(CACNA1I):c.3754A>G (p.Ile1252Val)

Gene: CACNA1I (calcium voltage-gated channel subunit alpha1 I; plus strand). Cytogenetic location: 22q13.1.
Variant type: single nucleotide variant.
Coding change: c.3754A>G on transcript NM_021096.4 (MANE Select); coding-DNA position 3754, A replaced by G.
Protein change: p.Ile1252Val; replaces isoleucine 1252 with valine.
Molecular consequence: missense variant.
Genome position (GRCh38, 1-based): chr22:39,664,826, A>G. VCF-style: chr22-39664826-A-G. GRCh37 (hg19) VCF-style: chr22-40060831-A-G.
Other names: c.3649A>G, p.Ile1217Val (NM_001003406.2); short protein forms I1217V, I1252V.
Identifiers: ClinVar variation 1810460 (VCV001810460.2), dbSNP rs2518171699, ClinGen allele CA411661086.

ClinVar aggregate classification (germline): Uncertain significance (1 of 4 stars; one submission).

gnomAD v4.1: 1 of 1,612,614 alleles (0.000062%); highest among the groups gnomAD compares: Non-Finnish European, 0.000085%; no homozygotes.

Submission:

GeneDx
Classification: Uncertain significance. Last evaluated: 2025-11-15. Review status: criteria provided, single submitter. Criteria: GeneDx Variant Classification Process June 2021. Collection method: clinical testing. Allele origin: germline.
Comment: Not observed at significant frequency in large population cohorts (gnomAD); In silico analysis suggests that this missense variant does not alter protein structure/function; Has not been previously published as pathogenic or benign to our knowledge